The following is an entry in ClinVar:

ClinVar aggregate classification (germline): Uncertain significance (1 of 4 stars; one submission).

Conditions:
Immunodeficiency. Identifiers: MedGen C0021051, MONDO:0021094, HP:0002721.

Allele frequency attached by ClinVar (database versions not stated): gnomAD exomes 0.00001.
gnomAD v4.1: 11 of 1,614,176 alleles (0.00068%); highest among the groups gnomAD compares: Non-Finnish European, 0.00093%; no homozygotes.

Submission:

Labcorp Genetics (formerly Invitae), Labcorp
Classification: Uncertain significance for Immunodeficiency. Last evaluated: 2026-01-05. Review status: criteria provided, single submitter. Criteria: Invitae Variant Classification Sherloc (09022015). Collection method: clinical testing. Allele origin: germline.
Comment: This sequence change replaces leucine, which is neutral and non-polar, with phenylalanine, which is neutral and non-polar, at codon 1308 of the NFAT5 protein (p.Leu1308Phe). This variant is not present in population databases (gnomAD no frequency). This variant has not been reported in the literature in individuals affected with NFAT5-related conditions. ClinVar contains an entry for this variant (Variation ID: 2097672). An algorithm developed to predict the effect of missense changes on protein structure and function (PolyPhen-2) suggests that this variant is likely to be disruptive. In summary, the available evidence is currently insufficient to determine the role of this variant in disease. Therefore, it has been classified as a Variant of Uncertain Significance.

NM_138713.4(NFAT5):c.4206G>T (p.Leu1402Phe)

Gene: NFAT5 (nuclear factor of activated T cells 5; plus strand). Cytogenetic location: 16q22.1.
Variant type: single nucleotide variant.
Coding change: c.4206G>T on transcript NM_138713.4 (MANE Select); coding-DNA position 4206, G replaced by T.
Protein change: p.Leu1402Phe; replaces leucine 1402 with phenylalanine.
Molecular consequence: missense variant.
Genome position (GRCh38, 1-based): chr16:69,694,031, G>T. VCF-style: chr16-69694031-G-T. GRCh37 (hg19) VCF-style: chr16-69727934-G-T.
Other names: c.3924G>T, p.Leu1308Phe (NM_173215.3, NM_138714.4, NM_173214.3); c.4203G>T, p.Leu1401Phe (NM_001113178.3); c.3531G>T, p.Leu1177Phe (NM_001367709.1); c.4152G>T, p.Leu1384Phe (NM_006599.4); short protein forms L1177F, L1308F, L1401F, L1384F, L1402F.
Identifiers: ClinVar variation 2097672 (VCV002097672.4), dbSNP rs199525186, ClinGen allele CA283374686.